The following is an entry in ClinVar:

NM_003906.5(MCM3AP):c.4087G>T (p.Val1363Leu)

Gene: MCM3AP (minichromosome maintenance complex component 3 associated protein; minus strand). Cytogenetic location: 21q22.3.
Variant type: single nucleotide variant.
Coding change: c.4087G>T on transcript NM_003906.5 (MANE Select); coding-DNA position 4087, G replaced by T.
Protein change: p.Val1363Leu; replaces valine 1363 with leucine.
Molecular consequence: missense variant.
Genome position (GRCh38, 1-based): chr21:46,254,441, C>A on the plus strand (G>T on the coding strand, the complement: MCM3AP is on the minus strand). VCF-style: chr21-46254441-C-A. GRCh37 (hg19) VCF-style: chr21-47674355-C-A.
Other names: short protein forms V1363L.
Identifiers: ClinVar variation 1896819 (VCV001896819.2), dbSNP rs199506748, ClinGen allele CA10076255.

ClinVar aggregate classification (germline): Uncertain significance (1 of 4 stars; one submission).

Allele frequency attached by ClinVar (database versions not stated): gnomAD exomes 0.00001; TOPMed 0.00003; ExAC 0.00004; gnomAD 0.00005; 1000 Genomes Project 0.00060; 1000 Genomes Project 30x 0.00062.
gnomAD v4.1: 27 of 1,614,188 alleles (0.0017%); highest among the groups gnomAD compares: East Asian, 0.06%; no homozygotes.

Submission:

Labcorp Genetics (formerly Invitae), Labcorp
Classification: Uncertain significance. Last evaluated: 2022-02-21. Review status: criteria provided, single submitter. Criteria: Invitae Variant Classification Sherloc (09022015). Collection method: clinical testing. Allele origin: germline.
Comment: This sequence change replaces valine, which is neutral and non-polar, with leucine, which is neutral and non-polar, at codon 1363 of the MCM3AP protein (p.Val1363Leu). This variant is present in population databases (rs199506748, gnomAD 0.07%). This variant has not been reported in the literature in individuals affected with MCM3AP-related conditions. Algorithms developed to predict the effect of missense changes on protein structure and function (SIFT, PolyPhen-2, Align-GVGD) all suggest that this variant is likely to be tolerated. In summary, the available evidence is currently insufficient to determine the role of this variant in disease. Therefore, it has been classified as a Variant of Uncertain Significance.